The following is an entry in ClinVar:

ClinVar aggregate classification (germline): Conflicting classifications of pathogenicity. Review status: criteria provided, conflicting classifications (1 of 4 stars). 2 submissions from 2 submitters: Uncertain significance (1); Likely benign (1). Last evaluated 2025-05-01.

Submissions (2):

CeGaT Center for Human Genetics Tuebingen
Classification: Likely benign. Last evaluated: 2025-05-01. Review status: criteria provided, single submitter. Criteria: CeGaT Center For Human Genetics Tuebingen Variant Classification Criteria Version 2. Collection method: clinical testing. Allele origin: germline. Affected: yes. Observed: 2 variant alleles.
Comment: COQ8A: PM2:Supporting, BP4, BP7

Athena Diagnostics
Classification: Uncertain significance. Last evaluated: 2025-04-03. Review status: criteria provided, single submitter. Criteria: Athena Diagnostics Criteria. Collection method: clinical testing. Allele origin: unknown.
Comment: Available data are insufficient to determine the clinical significance of the variant at this time. This variant has not been reported in large, multi-ethnic general populations. Computational tools yielded predictions that this variant is unlikely to have an effect on normal RNA splicing.

NM_020247.5(COQ8A):c.1449C>T (p.His483=)

Gene: COQ8A (coenzyme Q8A; plus strand). Cytogenetic location: 1q42.13.
Variant type: single nucleotide variant.
Coding change: c.1449C>T on transcript NM_020247.5 (MANE Select); coding-DNA position 1449, C replaced by T.
Protein change: p.His483=; no amino-acid change (histidine 483 retained).
Molecular consequence: synonymous variant.
Genome position (GRCh38, 1-based): chr1:226,984,598, C>T. VCF-style: chr1-226984598-C-T. GRCh37 (hg19) VCF-style: chr1-227172299-C-T.
Other names: c.1449C>T (NM_020247.4).
Identifiers: ClinVar variation 1298456 (VCV001298456.35), dbSNP rs1463222983, ClinGen allele CA423528363.